The following is an entry in ClinVar:

ClinVar aggregate classification (germline): Conflicting classifications of pathogenicity. Review status: criteria provided, conflicting classifications (1 of 4 stars). 2 submissions from 2 submitters: Uncertain significance (1); Likely benign (1). Last evaluated 2026-02-03.

Conditions:
TIAM1-related disorder. Also called: TIAM1-related condition.

gnomAD v4.1: 139 of 1,614,210 alleles (0.0086%); highest among the groups gnomAD compares: African/African-American, 0.16%; no homozygotes.

Submissions (2):

GeneDx
Classification: Uncertain significance. Last evaluated: 2026-02-03. Review status: criteria provided, single submitter. Criteria: GeneDx Variant Classification Process June 2021. Collection method: clinical testing. Allele origin: germline.
Comment: In silico analysis suggests that this missense variant does not alter protein structure/function; Has not been previously published as pathogenic or benign to our knowledge

PreventionGenetics, part of Exact Sciences
Classification: Likely benign for TIAM1-related condition. Last evaluated: 2024-12-08. Review status: criteria provided, single submitter. Criteria: ACMG Guidelines, 2015. Collection method: clinical testing. Allele origin: germline.
Comment: This variant is classified as likely benign based on ACMG/AMP sequence variant interpretation guidelines (Richards et al. 2015 PMID: 25741868, with internal and published modifications).

NM_001353694.2(TIAM1):c.3625G>A (p.Ala1209Thr)

Gene: TIAM1 (TIAM Rac1 associated GEF 1; minus strand). Cytogenetic location: 21q22.11.
Variant type: single nucleotide variant.
Coding change: c.3625G>A on transcript NM_001353694.2 (MANE Select); coding-DNA position 3625, G replaced by A.
Protein change: p.Ala1209Thr; replaces alanine 1209 with threonine.
Molecular consequence: missense variant.
Genome position (GRCh38, 1-based): chr21:31,141,355, C>T on the plus strand (G>A on the coding strand, the complement: TIAM1 is on the minus strand). VCF-style: chr21-31141355-C-T. GRCh37 (hg19) VCF-style: chr21-32513673-C-T.
Other names: c.724G>A, p.Ala242Thr (NM_001353684.2); c.649G>A, p.Ala217Thr (NM_001353685.2); c.3550G>A, p.Ala1184Thr (NM_001353686.2, NM_001353687.2); c.3625G>A, p.Ala1209Thr (NM_001353688.1, NM_001353689.1, NM_001353690.1 and 4 more transcripts); short protein forms A1184T, A1209T, A217T, A242T.
Identifiers: ClinVar variation 3363767 (VCV003363767.3).
Genomic context (GRCh38, chr21:31,141,355, plus strand): 5'-GCCTGCCGGGGGTCCCAGGCCGAGGCCTACCGTCCAGGTGGTAGTGCTCCTCGCTCTCCG[C>T]ATCGGTCAGGGCGAACAGCTCCCTGAGCAGAAGTGGGTACTTGAGGATCCTCTGGATGGG-3'
Protein context (NP_001340623.1, residues 1199-1219): LLRELFALTD[Ala1209Thr]ESEEHYHLDV